The following is an entry in ClinVar:

NM_032043.3(BRIP1):c.2947del (p.Ile983fs)

Gene: BRIP1 (BRCA1 interacting DNA helicase 1; minus strand). Cytogenetic location: 17q23.2.
Variant type: Deletion.
Coding change: c.2947del on transcript NM_032043.3 (MANE Select); coding-DNA position 2947, one base deleted (A; older notation c.2947delA).
Protein change: p.Ile983fs; shifts the reading frame from isoleucine 983.
Molecular consequence: frameshift variant.
Genome position (GRCh38, 1-based): chr17:61,684,099, T deleted on the plus strand (A on the coding strand, the reverse complement: BRIP1 is on the minus strand); the first of 6 consecutive T bases (chr17:61,684,099-61,684,104); deleting any one gives the same sequence. VCF-style (leftmost placement, unchanged base first): chr17-61684098-AT-A. GRCh37 (hg19) VCF-style: chr17-59761459-AT-A.
Other names: c.2947delA (NM_032043.3, NM_032043.2); short protein forms I983fs.
Identifiers: ClinVar variation 461044 (VCV000461044.38), dbSNP rs774684620, ClinGen allele CA626797170.

ClinVar aggregate classification (germline): Conflicting classifications of pathogenicity. Review status: criteria provided, conflicting classifications (1 of 4 stars). 14 submissions from 14 submitters: Pathogenic (5); Likely pathogenic (4); Uncertain significance (2). 3 of the submissions do not count toward it. Last evaluated 2026-08-12.

Conditions:
Hereditary cancer-predisposing syndrome. Also called: Hereditary neoplastic syndrome; Hereditary Cancer Syndrome; Tumor predisposition; Neoplastic Syndromes, Hereditary. Identifiers: Orphanet 140162, MedGen C0027672, MeSH D009386, MONDO:0015356.
Breast carcinoma. Also called: Carcinoma of breast. Identifiers: MedGen C0678222, MONDO:0004989, HP:0003002.
Malignant tumor of breast. Also called: Malignant breast neoplasm; Cancer breast. Identifiers: MedGen C0006142, MONDO:0007254. Disease mechanism: loss of function.
Fanconi anemia complementation group J. Also called: BRIP1-Related Fanconi Anemia. Identifiers: Orphanet 84, MedGen C1836860, MONDO:0012187, OMIM 609054.
Familial cancer of breast. Also called: Hereditary breast cancer; BREAST CANCER, FAMILIAL; hereditary breast carcinoma. Identifiers: Orphanet 227535, MedGen C0346153, MONDO:0016419, OMIM 114480. Disease mechanism: loss of function.
Hereditary breast ovarian cancer syndrome. Also called: Hereditary breast and ovarian cancer syndrome; Hereditary breast and/or ovarian cancer syndrome; Hereditary breast and ovarian cancer; Breast and ovarian cancer; BRCA1- and BRCA2-Associated Hereditary Breast and Ovarian Cancer; Hereditary breast and ovarian cancer syndrome (HBOC). Identifiers: Orphanet 145, MedGen C0677776, MeSH D061325, MONDO:0003582. Disease mechanism: loss of function.
Fanconi anemia (FA). Also called: Fanconi's anemia. Identifiers: Orphanet 84, MedGen C0015625, MeSH D005199, MONDO:0019391.

Submissions 1 to 10 of 14:

German Consortium for Hereditary Breast and Ovarian Cancer, University Hospital Cologne
Classification: Uncertain significance for Hereditary breast ovarian cancer syndrome. Last evaluated: 2026-08-12. Review status: criteria provided, single submitter. Criteria: ACMG SVI. Collection method: curation. Allele origin: germline.
Comment: The variant is associated with stable expression of a truncated protein. An isogenic cell model confirmed a normal cellular response to DNA interstrand crosslinking agents. The impact of the loss of C-terminal interaction sites on BRIP1 function remains unclear. (Droste et al. under review); This classification follows the ACMG SVI adaptation classification scheme; We chose these criteria: PVS1 (supporting pathogenic): As per HBOC consortium decision: Downgrade PVS1 to SUP from p.983 on, PM2 (supporting pathogenic): gnomADv4 MAF: 0,00017%, 2/1179812 alleles (NFE); FAF: 0,00014%

First Genomix Gene Laboratory, Genetic Diagnostics Department
Classification: Pathogenic for Fanconi anemia complementation group J. Last evaluated: 2025-09-19. Review status: criteria provided, single submitter. Criteria: ACMG Guidelines, 2015. Collection method: clinical testing. Allele origin: germline. Inheritance: Autosomal recessive inheritance. Affected: no. Observed: 1 variant allele.

Ambry Genetics
Classification: Uncertain significance for Hereditary cancer-predisposing syndrome. Last evaluated: 2025-03-28. Review status: criteria provided, single submitter. Criteria: Ambry Variant Classification Scheme 2023. Collection method: clinical testing. Allele origin: germline.
Comment: The c.2947delA variant, located in coding exon 19 of the BRIP1 gene, results from a deletion of one nucleotide at nucleotide position 2947, causing a translational frameshift with a predicted alternate stop codon (p.I983Lfs*2). This alteration occurs at the 3' terminus of BRIP1 gene, is not expected to trigger nonsense-mediated mRNA decay, and only impacts the last 266 amino acids of the protein. The exact functional impact of these removed amino acids is unknown. While the C-terminal region of the BRIP1 protein has been shown by structural, biochemical, and mutational analysis to be relevant for some aspects of BRIP1 protein function (Gong Z et al. Mol. Cell, 2010 Feb;37:438-46; Leung CC et al. J. Biol. Chem. 2011 Feb; 286(6):4292-301; Xie J et al. PLoS Genet. 2012 Jul; 8(7):e1002786), functional studies have shown that truncations in the 3' terminus of BRIP1 display normal function in response to intra-strand cross-linking agents (Calvo JA et al. Mol Cancer Res, 2021 Jun;19:1015-1025). Based on the available evidence, the clinical significance of this variant remains unclear.

Labcorp Genetics (formerly Invitae), Labcorp
Classification: Pathogenic for Familial cancer of breast; Fanconi anemia complementation group J. Last evaluated: 2025-01-21. Review status: criteria provided, single submitter. Criteria: Invitae Variant Classification Sherloc (09022015). Collection method: clinical testing. Allele origin: germline.
Comment: This sequence change creates a premature translational stop signal (p.Ile983Leufs*2) in the BRIP1 gene. While this is not anticipated to result in nonsense mediated decay, it is expected to disrupt the last 267 amino acid(s) of the BRIP1 protein. This variant is present in population databases (no rsID available, gnomAD 0.0009%). This variant has not been reported in the literature in individuals affected with BRIP1-related conditions. ClinVar contains an entry for this variant (Variation ID: 461044). This variant disrupts a region of the BRIP1 protein in which other variant(s) (p.Thr997Argfs*61, p.Lys998Glufs*60, p.Lys998Glufs*3) have been determined to be pathogenic (PMID: 18628483; internal data). This suggests that this is a clinically significant region of the protein, and that variants that disrupt it are likely to be disease-causing. For these reasons, this variant has been classified as Pathogenic.

Center for Genomic Medicine, Rigshospitalet, Copenhagen University Hospital
Classification: Likely pathogenic. Last evaluated: 2024-07-31. Review status: criteria provided, single submitter. Criteria: ACMG Guidelines, 2015. Collection method: clinical testing. Allele origin: germline.

Color Diagnostics, LLC DBA Color Health
Classification: Likely pathogenic for Hereditary cancer-predisposing syndrome. Last evaluated: 2024-06-17. Review status: criteria provided, single submitter. Criteria: ACMG Guidelines, 2015. Collection method: clinical testing. Allele origin: germline.
Comment: This variant deletes 1 nucleotide in exon 20 of the BRIP1 gene, creating a frameshift at codon 983 and premature translation stop signal at codon 984 in the last exon. This variant is expected to escape nonsense-mediated decay and be expressed as a truncated protein that lacks the functional domains involved in BRCA1-binding, DNA damage and replication stress responses and attenuation of DNA damage tolerance pathway (PMID: 11301010, 14983014, 20159562, 20173781, 22792074). Although functional studies have not been reported for this variant, this variant is expected to impair important BRIP1 protein function. This variant has not been reported in individuals affected with hereditary cancer in the literature. This variant has been identified in 1/250646 chromosomes in the general population by the Genome Aggregation Database (gnomAD). Loss of BRIP1 function is a known mechanism of disease. Based on the available evidence, this variant is classified as Likely Pathogenic.

Baylor Genetics
Classification: Pathogenic for Familial cancer of breast. Last evaluated: 2024-02-07. Review status: criteria provided, single submitter. Criteria: ACMG Guidelines, 2015. Collection method: clinical testing. Allele origin: unknown.

Myriad Genetics, Inc.
Classification: Pathogenic for Familial cancer of breast. Last evaluated: 2023-06-07. Review status: criteria provided, single submitter. Criteria: Myriad Autosomal Dominant, Autosomal Recessive and X-Linked Classification Criteria (2023). Collection method: clinical testing. Allele origin: unknown.
Comment: This variant is considered pathogenic. This variant creates a frameshift predicted to result in premature protein truncation.

Revvity Omics, Revvity
Classification: Pathogenic for Fanconi anemia complementation group J. Last evaluated: 2022-11-28. Review status: criteria provided, single submitter. Criteria: ACMG Guidelines, 2015. Collection method: clinical testing. Allele origin: germline.

Laboratory for Molecular Medicine, Mass General Brigham Personalized Medicine
Classification: Likely pathogenic for Fanconi anemia. Last evaluated: 2022-08-26. Review status: criteria provided, single submitter. Criteria: ACMG Guidelines, 2015. Collection method: clinical testing. Allele origin: germline.
Comment: The p.Ile983LeufsX2 variant in BRIP1 Reported in 2 breast cancer patients (Siraj 2017 PMID: 28975465) and 1 pt with hereditary breast cancer (with a family history of breast cancer) (Lerner-Ellis 2021 PMID: 32885271).This variant is absent in large population databases gnomad chromosomes by gnomAD. This variant is predicted to cause a frameshift, which alters the protein’s amino acid sequence beginning at position 983 and leads to a premature termination codon 2 amino acids downstream. This alteration is in the last exon and is expected to evade nonsense-mediated decay (NMD); however, the variant impacts a region of the protein critical to its function (Gong 2010 PMID: 20159562, Xie 2012 PMID: 22792074) and several downstream missense variant have been associated with predisposition to cancer. Loss of function of the BRIP1 gene is an established disease mechanism in autosomal dominant cancer predisposition syndrome and autosomal recessive fanconi anemia. In summary, this variant meets criteria to be classified as pathogenic for autosomal dominant cancer predisposition syndrome and for autosomal recessive fanconi anemia. ACMG/AMP Criteria applied: PVS1_Strong, PM2_Supporting, PS4_Supporting.